The following is an entry in ClinVar:

NM_022725.4(FANCF):c.671C>T (p.Pro224Leu)

Gene: FANCF (FA complementation group F; minus strand). Cytogenetic location: 11p14.3.
Variant type: single nucleotide variant.
Coding change: c.671C>T on transcript NM_022725.4 (MANE Select); coding-DNA position 671, C replaced by T.
Protein change: p.Pro224Leu; replaces proline 224 with leucine.
Molecular consequence: missense variant.
Genome position (GRCh38, 1-based): chr11:22,625,140, G>A on the plus strand (C>T on the coding strand, the complement: FANCF is on the minus strand). VCF-style: chr11-22625140-G-A. GRCh37 (hg19) VCF-style: chr11-22646686-G-A.
Other names: short protein forms P224L.
Identifiers: ClinVar variation 3599509 (VCV003599509.3).

ClinVar aggregate classification (germline): Uncertain significance. Review status: criteria provided, multiple submitters, no conflicts (2 of 4 stars). 2 submissions from 2 submitters: Uncertain significance (2). Last evaluated 2024-03-24.

Conditions:
Fanconi anemia (FA). Also called: Fanconi's anemia. Identifiers: Orphanet 84, MedGen C0015625, MeSH D005199, MONDO:0019391.
Fanconi anemia complementation group F. Also called: FANCF-Related Fanconi Anemia. Identifiers: Orphanet 84, MedGen C3469526, MONDO:0011325, OMIM 603467.

Submissions (2):

Fulgent Genetics
Classification: Uncertain significance for Fanconi anemia complementation group F. Last evaluated: 2024-03-24. Review status: criteria provided, single submitter. Criteria: ACMG Guidelines, 2015. Collection method: clinical testing. Allele origin: germline.

Labcorp Genetics (formerly Invitae), Labcorp
Classification: Uncertain significance for Fanconi anemia. Last evaluated: 2024-02-13. Review status: criteria provided, single submitter. Criteria: Invitae Variant Classification Sherloc (09022015). Collection method: clinical testing. Allele origin: germline.
Comment: This sequence change replaces proline, which is neutral and non-polar, with leucine, which is neutral and non-polar, at codon 224 of the FANCF protein (p.Pro224Leu). This variant is present in population databases (rs756264818, gnomAD 0.007%). This variant has not been reported in the literature in individuals affected with FANCF-related conditions. Algorithms developed to predict the effect of missense changes on protein structure and function output the following: SIFT: "Not Available"; PolyPhen-2: "Benign"; Align-GVGD: "Not Available". The leucine amino acid residue is found in multiple mammalian species, which suggests that this missense change does not adversely affect protein function. In summary, the available evidence is currently insufficient to determine the role of this variant in disease. Therefore, it has been classified as a Variant of Uncertain Significance.